The following is an entry in ClinVar:

ClinVar aggregate classification (germline): Likely pathogenic (1 of 4 stars; one submission).

Conditions:
3-Methylglutaconic aciduria type 3 (MGCA3). Also called: OPA3, AUTOSOMAL RECESSIVE; OPTIC ATROPHY 3, AUTOSOMAL RECESSIVE; OPA3-Related 3-Methylglutaconic Aciduria; Costeff Syndrome. Identifiers: Orphanet 67047, MedGen C0574084, MONDO:0009787, OMIM 258501.

Submission:

Natera, Inc.
Classification: Likely pathogenic for 3-methylglutaconic aciduria type 3. Last evaluated: 2024-11-21. Review status: criteria provided, single submitter. Criteria: Natera Variant Classification Schema (03/2026). Collection method: clinical testing. Allele origin: germline.
Comment: The c.458_459delGC variant in OPA3 is a frameshift variant predicted to elongate the protein beyond the termination codon. This variant is expected to result in nonsense mediated decay, truncation, or a dysfunctional protein product. This variant is rare in the general population with a frequency below the threshold expected for the associated phenotype(s). Given the available evidence, this variant is classified as Likely Pathogenic.

NM_025136.4(OPA3):c.458_459del (p.Arg153fs)

Genes: OPA3 (outer mitochondrial membrane lipid metabolism regulator OPA3; minus strand), OPA3-RTN2 (OPA3-RTN2 readthrough; minus strand). Cytogenetic location: 19q13.32.
Variant type: Microsatellite.
Coding change: c.458_459del on transcript NM_025136.4 (MANE Select); coding-DNA positions 458 to 459, 2 bases deleted (GC; older notation c.458_459delGC).
Protein change: p.Arg153fs; shifts the reading frame from arginine 153.
Molecular consequence: frameshift variant. On other transcripts: intron variant (1).
Genome position (GRCh38, 1-based): chr19:45,553,595-45,553,596, GC deleted on the plus strand (GC on the coding strand, the reverse complement: OPA3 is on the minus strand); deleting any 2 consecutive bases within chr19:45,553,595-45,553,598 gives the same sequence; the c. name uses the placement nearest the transcript's 3' end. VCF-style (leftmost placement, unchanged base first): chr19-45553594-TGC-T. GRCh37 (hg19) VCF-style: chr19-46056852-TGC-T.
Other names: c.143-24140_143-24139del (NM_001017989.3); short protein forms R153fs.
Identifiers: ClinVar variation 4816245 (VCV004816245.1).
Genomic context (GRCh38, chr19:45,553,594, plus strand): 5'-CTGCGTGGGAAGCGGACCGGCCGGGATTGCAGAGCTGGGCGCGCACCTCTTGCAGCTCTG[TGC>T]GCAGTTCCTCCAGGGCGCCCTGTGGCGGCGCCGCCTGCACCTGCGCCTGCAGCGCTTCCA-3'